The following is an entry in ClinVar:

NM_006767.4(LZTR1):c.1034A>C (p.Glu345Ala)

Gene: LZTR1 (leucine zipper like post translational regulator 1; plus strand). Cytogenetic location: 22q11.21.
Variant type: single nucleotide variant.
Coding change: c.1034A>C on transcript NM_006767.4 (MANE Select); coding-DNA position 1034, A replaced by C.
Protein change: p.Glu345Ala; replaces glutamic acid 345 with alanine.
Molecular consequence: missense variant.
Genome position (GRCh38, 1-based): chr22:20,992,254, A>C. VCF-style: chr22-20992254-A-C. GRCh37 (hg19) VCF-style: chr22-21346543-A-C.
Other names: short protein forms E345A.
Identifiers: ClinVar variation 2708413 (VCV002708413.3), dbSNP rs2518617979, ClinGen allele CA410781843.
Genomic context (GRCh38, chr22:20,992,254, plus strand): 5'-CATGTGTCTCCCCTCTTCAGGTTGGTGGGGCTGAAGTGCCCGAGCGAGCCTGTGCTTCCG[A>C]GGAGGTGCCCACCCTGACCTATGAGGAGCGGGTTGGCTTCAAGAAGTCCCGAGATGTGTT-3'
Protein context (NP_006758.2, residues 335-355): AEVPERACAS[Glu345Ala]EVPTLTYEER

ClinVar aggregate classification (germline): Uncertain significance (1 of 4 stars; one submission).

Submission:

Labcorp Genetics (formerly Invitae), Labcorp
Classification: Uncertain significance. Last evaluated: 2024-01-09. Review status: criteria provided, single submitter. Criteria: Invitae Variant Classification Sherloc (09022015). Collection method: clinical testing. Allele origin: germline.
Comment: This sequence change replaces glutamic acid, which is acidic and polar, with alanine, which is neutral and non-polar, at codon 345 of the LZTR1 protein (p.Glu345Ala). This variant is not present in population databases (gnomAD no frequency). This variant has not been reported in the literature in individuals affected with LZTR1-related conditions. Advanced modeling of protein sequence and biophysical properties (such as structural, functional, and spatial information, amino acid conservation, physicochemical variation, residue mobility, and thermodynamic stability) performed at Invitae indicates that this missense variant is not expected to disrupt LZTR1 protein function with a negative predictive value of 80%. In summary, the available evidence is currently insufficient to determine the role of this variant in disease. Therefore, it has been classified as a Variant of Uncertain Significance.